The following is an entry in ClinVar:

ClinVar aggregate classification (germline): Conflicting classifications of pathogenicity. Review status: criteria provided, conflicting classifications (1 of 4 stars). 6 submissions from 6 submitters: Uncertain significance (4); Likely benign (2). Last evaluated 2026-02-04.

Conditions:
Hermansky-Pudlak syndrome 1 (HPS1). Also called: DELTA STORAGE POOL DISEASE. Identifiers: Orphanet 231500, Orphanet 79430, MedGen C2931875, MONDO:0008748, OMIM 203300.

Allele frequency attached by ClinVar (database versions not stated): ESP Exome Variant Server 0.00046; 1000 Genomes Project 0.00060; 1000 Genomes Project 30x 0.00062; gnomAD 0.00065 and 0.00068; ExAC 0.00067; gnomAD exomes 0.00069; TOPMed 0.00076.

Submissions (6):

Labcorp Genetics (formerly Invitae), Labcorp
Classification: Likely benign. Last evaluated: 2026-02-04. Review status: criteria provided, single submitter. Criteria: Invitae Variant Classification Sherloc (09022015). Collection method: clinical testing. Allele origin: germline.

Mayo Clinic Laboratories, Mayo Clinic
Classification: Uncertain significance. Last evaluated: 2025-10-17. Review status: criteria provided, single submitter. Criteria: ACMG Guidelines, 2015. Collection method: clinical testing. Allele origin: germline. Observed: 3 variant alleles.
Comment: BP4_moderate

Women's Health and Genetics/Laboratory Corporation of America, LabCorp
Classification: Likely benign. Last evaluated: 2024-03-27. Review status: criteria provided, single submitter. Criteria: LabCorp Variant Classification Summary - May 2015. Collection method: clinical testing. Allele origin: germline.
Comment: Variant summary: HPS1 c.787C>T (p.Arg263Trp) results in a non-conservative amino acid change located in the FUZ/MON1/HPS1, second Longin domain (IPR043971) of the encoded protein sequence. Three of five in-silico tools predict a damaging effect of the variant on protein function. The variant allele was found at a frequency of 0.00069 in 248994 control chromosomes, predominantly at a frequency of 0.0011 within the Non-Finnish European subpopulation in the gnomAD database, including 1 homozygote. The observed variant frequency within Non-Finnish European control individuals in the gnomAD database is approximately 1.14 fold of the estimated maximal expected allele frequency for a pathogenic variant in HPS1 causing Hermansky-Pudlak Syndrome phenotype (0.00096), strongly suggesting that the variant is a benign polymorphism found primarily in populations of Non-Finnish European origin. c.787C>T has been reported in the literature in two individuals affected with inherited bleeding disorders, but no second variant in the gene was reported, and additional variants in other genes were detected (e.g. Leinoe_2017). Therefore, these reports do not provide unequivocal conclusions about association of the variant with Hermansky-Pudlak Syndrome. To our knowledge, no experimental evidence demonstrating an impact on protein function has been reported. The following publication has been ascertained in the context of this evaluation (PMID: 28748566). ClinVar contains an entry for this variant (Variation ID: 791493). Based on the evidence outlined above, the variant was classified as likely benign.

Revvity Omics, Revvity
Classification: Uncertain significance for Hermansky-Pudlak syndrome 1. Last evaluated: 2021-12-22. Review status: criteria provided, single submitter. Criteria: ACMG Guidelines, 2015. Collection method: clinical testing. Allele origin: germline.

GeneDx
Classification: Uncertain significance. Last evaluated: 2021-04-09. Review status: criteria provided, single submitter. Criteria: GeneDx Variant Classification Process June 2021. Collection method: clinical testing. Allele origin: germline. Affected: yes.
Comment: In silico analysis supports that this missense variant does not alter protein structure/function; Has not been previously published as pathogenic or benign to our knowledge

Illumina Laboratory Services, Illumina
Classification: Uncertain significance for Hermansky-Pudlak syndrome 1. Last evaluated: 2018-01-13. Review status: criteria provided, single submitter. Criteria: ICSL Variant Classification Criteria 13 December 2019. Collection method: clinical testing. Allele origin: germline.

Literature cited by the submitters: PubMed 28748566 (cited by Women's Health and Genetics/Laboratory Corporation of America, LabCorp).

NM_000195.5(HPS1):c.787C>T (p.Arg263Trp)

Gene: HPS1 (HPS1 biogenesis of lysosomal organelles complex 3 subunit 1; minus strand). Cytogenetic location: 10q24.2.
Variant type: single nucleotide variant.
Coding change: c.787C>T on transcript NM_000195.5 (MANE Select); coding-DNA position 787, C replaced by T.
Protein change: p.Arg263Trp; replaces arginine 263 with tryptophan.
Molecular consequence: missense variant. On other transcripts: 5 prime UTR variant (1), synonymous variant (1), intron variant (8).
Genome position (GRCh38, 1-based): chr10:98,429,871, G>A on the plus strand (C>T on the coding strand, the complement: HPS1 is on the minus strand). VCF-style: chr10-98429871-G-A. GRCh37 (hg19) VCF-style: chr10-100189628-G-A.
Other names: p.Arg263Trp; c.787C>T, p.Arg263Trp (NM_001322476.2, NM_001322477.2, NM_182639.4); c.526C>T, p.Arg176Trp (NM_001322480.2, NM_001322481.2); c.418C>T, p.Arg140Trp (NM_001322483.2, NM_001322484.2); c.-186C>T (NM_001322487.2); c.669C>T, p.Pro223= (NM_001322490.2); c.769-229C>T (NM_001322478.2, NM_001322479.2, NM_001322491.2); c.400-229C>T (NM_001322485.2); and 3 more; short protein forms R176W, R140W, R263W.
Identifiers: ClinVar variation 791493 (VCV000791493.23), dbSNP rs145042327, ClinGen allele CA5639279.